The following is an entry in ClinVar:

ClinVar aggregate classification (germline): Uncertain significance (1 of 4 stars; one submission).

Allele frequency attached by ClinVar (database versions not stated): gnomAD 0.00001.
gnomAD v4.1: 12 of 1,613,580 alleles (0.00074%); highest among the groups gnomAD compares: African/African-American, 0.004%; no homozygotes.

Submission:

CeGaT Center for Human Genetics Tuebingen
Classification: Uncertain significance. Last evaluated: 2022-04-01. Review status: criteria provided, single submitter. Criteria: CeGaT Center For Human Genetics Tuebingen Variant Classification Criteria Version 2. Collection method: clinical testing. Allele origin: germline. Affected: yes. Observed: 1 variant allele.
Comment: CHD3: PP2

NM_001005273.3(CHD3):c.5677G>A (p.Ala1893Thr)

Gene: CHD3 (chromodomain helicase DNA binding protein 3; plus strand). Cytogenetic location: 17p13.1.
Variant type: single nucleotide variant.
Coding change: c.5677G>A on transcript NM_001005273.3 (MANE Select); coding-DNA position 5677, G replaced by A.
Protein change: p.Ala1893Thr; replaces alanine 1893 with threonine.
Molecular consequence: missense variant.
Genome position (GRCh38, 1-based): chr17:7,910,514, G>A. VCF-style: chr17-7910514-G-A. GRCh37 (hg19) VCF-style: chr17-7813832-G-A.
Other names: c.5854G>A, p.Ala1952Thr (NM_001005271.3); c.5575G>A, p.Ala1859Thr (NM_005852.4); short protein forms A1859T, A1893T, A1952T.
Identifiers: ClinVar variation 2647438 (VCV002647438.24), dbSNP rs1415473359, ClinGen allele CA397950850.